The following is an entry in ClinVar:

NM_025207.5(FLAD1):c.1220A>T (p.Lys407Ile)

Gene: FLAD1 (flavin adenine dinucleotide synthetase 1; plus strand). Cytogenetic location: 1q21.3.
Variant type: single nucleotide variant.
Coding change: c.1220A>T on transcript NM_025207.5 (MANE Select); coding-DNA position 1220, A replaced by T.
Protein change: p.Lys407Ile; replaces lysine 407 with isoleucine.
Molecular consequence: missense variant.
Genome position (GRCh38, 1-based): chr1:154,989,662, A>T. VCF-style: chr1-154989662-A-T. GRCh37 (hg19) VCF-style: chr1-154962138-A-T.
Other names: c.929A>T, p.Lys310Ile (NM_001184891.2, NM_201398.3); short protein forms K407I, K310I.
Identifiers: ClinVar variation 1479354 (VCV001479354.5), dbSNP rs1266041411, ClinGen allele CA342751171.

ClinVar aggregate classification (germline): Uncertain significance (1 of 4 stars; one submission).

Allele frequency attached by ClinVar (database versions not stated): gnomAD exomes below 0.00001; TOPMed below 0.00001; gnomAD 0.00001.

Submission:

Labcorp Genetics (formerly Invitae), Labcorp
Classification: Uncertain significance. Last evaluated: 2021-10-07. Review status: criteria provided, single submitter. Criteria: Invitae Variant Classification Sherloc (09022015). Collection method: clinical testing. Allele origin: germline.
Comment: This sequence change replaces lysine with isoleucine at codon 407 of the FLAD1 protein (p.Lys407Ile). The lysine residue is highly conserved and there is a moderate physicochemical difference between lysine and isoleucine. This variant is not present in population databases (ExAC no frequency). In summary, the available evidence is currently insufficient to determine the role of this variant in disease. Therefore, it has been classified as a Variant of Uncertain Significance. Algorithms developed to predict the effect of missense changes on protein structure and function (SIFT, PolyPhen-2, Align-GVGD) all suggest that this variant is likely to be disruptive. This variant has not been reported in the literature in individuals affected with FLAD1-related conditions.